The following is an entry in ClinVar:

ClinVar aggregate classification (germline): Uncertain significance (1 of 4 stars; one submission).

Allele frequency attached by ClinVar (database versions not stated): TOPMed below 0.00001.
gnomAD v4.1: 10 of 1,564,662 alleles (0.00064%); highest among the groups gnomAD compares: Non-Finnish European, 0.00086%; no homozygotes.

Submission:

Labcorp Genetics (formerly Invitae), Labcorp
Classification: Uncertain significance. Last evaluated: 2024-01-29. Review status: criteria provided, single submitter. Criteria: Invitae Variant Classification Sherloc (09022015). Collection method: clinical testing. Allele origin: germline.
Comment: This sequence change replaces serine, which is neutral and polar, with tyrosine, which is neutral and polar, at codon 8 of the ITM2B protein (p.Ser8Tyr). The frequency data for this variant in the population databases is considered unreliable, as metrics indicate poor data quality at this position in the gnomAD database. This variant has not been reported in the literature in individuals affected with ITM2B-related conditions. ClinVar contains an entry for this variant (Variation ID: 2192822). An algorithm developed to predict the effect of missense changes on protein structure and function (PolyPhen-2) suggests that this variant is likely to be tolerated. In summary, the available evidence is currently insufficient to determine the role of this variant in disease. Therefore, it has been classified as a Variant of Uncertain Significance.

NM_021999.5(ITM2B):c.23C>A (p.Ser8Tyr)

Genes: ITM2B (integral membrane protein 2B; plus strand), LOC130009751 (ATAC-STARR-seq lymphoblastoid silent region 5331; plus strand). Cytogenetic location: 13q14.2.
Variant type: single nucleotide variant.
Coding change: c.23C>A on transcript NM_021999.5 (MANE Select); coding-DNA position 23, C replaced by A.
Protein change: p.Ser8Tyr; replaces serine 8 with tyrosine.
Molecular consequence: missense variant.
Genome position (GRCh38, 1-based): chr13:48,233,383, C>A. VCF-style: chr13-48233383-C-A. GRCh37 (hg19) VCF-style: chr13-48807519-C-A.
Other names: short protein forms S8Y.
Identifiers: ClinVar variation 2192822 (VCV002192822.4), dbSNP rs1164606441, ClinGen allele CA388249917.